The following is an entry in ClinVar:

NM_024685.4(BBS10):c.1678G>A (p.Glu560Lys)

Gene: BBS10 (Bardet-Biedl syndrome 10; minus strand). Cytogenetic location: 12q21.2.
Variant type: single nucleotide variant.
Coding change: c.1678G>A on transcript NM_024685.4 (MANE Select); coding-DNA position 1678, G replaced by A.
Protein change: p.Glu560Lys; replaces glutamic acid 560 with lysine.
Molecular consequence: missense variant.
Genome position (GRCh38, 1-based): chr12:76,346,307, C>T on the plus strand (G>A on the coding strand, the complement: BBS10 is on the minus strand). VCF-style: chr12-76346307-C-T. GRCh37 (hg19) VCF-style: chr12-76740087-C-T.
Other names: short protein forms E560K.
Identifiers: ClinVar variation 850860 (VCV000850860.9), dbSNP rs758489303, ClinGen allele CA6694124.

ClinVar aggregate classification (germline): Uncertain significance. Review status: criteria provided, multiple submitters, no conflicts (2 of 4 stars). 4 submissions from 4 submitters: Uncertain significance (3). 1 of the submissions does not count toward it. Last evaluated 2026-04-27.

Conditions:
Bardet-Biedl syndrome 10 (BBS10). Identifiers: Orphanet 110, MedGen C1859568, MONDO:0014438, OMIM 615987.
Bardet-Biedl syndrome (BBS). Identifiers: Orphanet 110, MedGen C0752166, MONDO:0015229.
BBS10-related disorder. Also called: BBS10-related condition.

Allele frequency attached by ClinVar (database versions not stated): gnomAD 0.00001; gnomAD exomes 0.00001; ExAC 0.00002; TOPMed 0.00002.

Submissions (4):

PreventionGenetics, part of Exact Sciences
Classification: Uncertain significance for BBS10-related condition. Last evaluated: 2026-04-27. Review status: criteria provided, single submitter. Criteria: ACMG Guidelines, 2015. Collection method: clinical testing. Allele origin: germline.
Comment: The BBS10 c.1678G>A variant is predicted to result in the amino acid substitution p.Glu560Lys. To our knowledge, this variant has not been reported in the literature. This variant is reported in 0.0062% of alleles in individuals of African descent in gnomAD. At this time, the clinical significance of this variant is uncertain due to the absence of conclusive functional and genetic evidence.

Labcorp Genetics (formerly Invitae), Labcorp
Classification: Uncertain significance for Bardet-Biedl syndrome. Last evaluated: 2024-12-02. Review status: criteria provided, single submitter. Criteria: Invitae Variant Classification Sherloc (09022015). Collection method: clinical testing. Allele origin: germline.
Comment: This sequence change replaces glutamic acid, which is acidic and polar, with lysine, which is basic and polar, at codon 560 of the BBS10 protein (p.Glu560Lys). This variant is present in population databases (rs758489303, gnomAD 0.007%). This variant has not been reported in the literature in individuals affected with BBS10-related conditions. ClinVar contains an entry for this variant (Variation ID: 850860). Invitae Evidence Modeling of protein sequence and biophysical properties (such as structural, functional, and spatial information, amino acid conservation, physicochemical variation, residue mobility, and thermodynamic stability) indicates that this missense variant is not expected to disrupt BBS10 protein function with a negative predictive value of 80%. In summary, the available evidence is currently insufficient to determine the role of this variant in disease. Therefore, it has been classified as a Variant of Uncertain Significance.

Fulgent Genetics
Classification: Uncertain significance for Bardet-Biedl syndrome 10. Last evaluated: 2021-10-20. Review status: criteria provided, single submitter. Criteria: ACMG Guidelines, 2015. Collection method: clinical testing. Allele origin: unknown.

Natera, Inc.
Classification: Uncertain significance for Bardet-Biedl syndrome type 10. Last evaluated: 2021-03-25. Review status: no assertion criteria provided. Collection method: clinical testing. Allele origin: germline. Not counted in ClinVar's aggregate classification.